The following is an entry in ClinVar:

NM_002878.4(RAD51D):c.658C>T (p.Gln220Ter)

Genes: RAD51L3-RFFL (RAD51L3-RFFL readthrough; minus strand), RAD51D (RAD51 paralog D; minus strand). Cytogenetic location: 17q12.
Variant type: single nucleotide variant.
Coding change: c.658C>T on transcript NM_002878.4 (MANE Select); coding-DNA position 658, C replaced by T.
Protein change: p.Gln220Ter; replaces glutamine 220 with a stop codon.
Molecular consequence: nonsense. On other transcripts: non-coding transcript variant (3).
Genome position (GRCh38, 1-based): chr17:35,103,463, G>A on the plus strand (C>T on the coding strand, the complement: RAD51D is on the minus strand). VCF-style: chr17-35103463-G-A. GRCh37 (hg19) VCF-style: chr17-33430482-G-A.
Other names: c.718C>T, p.Gln240Ter (NM_001142571.2); c.322C>T, p.Gln108Ter (NM_133629.3); short protein forms Q108*, Q220*, Q240*.
Identifiers: ClinVar variation 4149914 (VCV004149914.2).
Genomic context (GRCh38, chr17:35,103,463, plus strand): 5'-TGGGAGGCGAGGTCACATTCCACTGGCCCCAGGCTCTGCCACATCACTCACCTTCCCTCT[G>A]CTGACCTCCCAGAAGTGGGGAAACCACCGCAGTGACCGAGTCCACAACCACCACCTTCAC-3'

ClinVar aggregate classification (germline): Pathogenic. Review status: criteria provided, multiple submitters, no conflicts (2 of 4 stars). 2 submissions from 2 submitters: Pathogenic (2). Last evaluated 2025-08-15.

Conditions:
Hereditary cancer-predisposing syndrome. Also called: Hereditary neoplastic syndrome; Neoplastic Syndromes, Hereditary; Tumor predisposition; Hereditary Cancer Syndrome. Identifiers: Orphanet 140162, MedGen C0027672, MeSH D009386, MONDO:0015356.
Breast-ovarian cancer, familial, susceptibility to, 4. Identifiers: Orphanet 145, MedGen C3280345, MONDO:0013669, OMIM 614291.

Submissions (2):

Ambry Genetics
Classification: Pathogenic for Hereditary cancer-predisposing syndrome. Last evaluated: 2025-08-15. Review status: criteria provided, single submitter. Criteria: Ambry Variant Classification Scheme 2023. Collection method: clinical testing. Allele origin: germline.
Comment: The p.Q220* pathogenic mutation (also known as c.658C>T), located in coding exon 7 of the RAD51D gene, results from a C to T substitution at nucleotide position 658. This changes the amino acid from a glutamine to a stop codon within coding exon 7. This variant is considered to be rare based on population cohorts in the Genome Aggregation Database (gnomAD). This alteration is expected to result in loss of function by premature protein truncation or nonsense-mediated mRNA decay. As such, this alteration is interpreted as a disease-causing mutation.

Labcorp Genetics (formerly Invitae), Labcorp
Classification: Pathogenic for Breast-ovarian cancer, familial, susceptibility to, 4. Last evaluated: 2025-06-20. Review status: criteria provided, single submitter. Criteria: Invitae Variant Classification Sherloc (09022015). Collection method: clinical testing. Allele origin: germline.
Comment: This sequence change creates a premature translational stop signal (p.Gln220*) in the RAD51D gene. It is expected to result in an absent or disrupted protein product. Loss-of-function variants in RAD51D are known to be pathogenic (PMID: 21822267). This variant is not present in population databases (gnomAD no frequency). This variant has not been reported in the literature in individuals affected with RAD51D-related conditions. Algorithms developed to predict the effect of sequence changes on RNA splicing suggest that this variant may disrupt the consensus splice site. For these reasons, this variant has been classified as Pathogenic.

Literature cited by the submitters: PubMed 21822267 (cited by Labcorp Genetics (formerly Invitae), Labcorp).